The following is an entry in ClinVar:

ClinVar aggregate classification (germline): Uncertain significance (1 of 4 stars; one submission).

Allele frequency attached by ClinVar (database versions not stated): gnomAD 0.00001; ExAC 0.00002; gnomAD exomes 0.00002; 1000 Genomes Project 30x 0.00031; 1000 Genomes Project 0.00040.

Submission:

Labcorp Genetics (formerly Invitae), Labcorp
Classification: Uncertain significance. Last evaluated: 2024-03-11. Review status: criteria provided, single submitter. Criteria: Invitae Variant Classification Sherloc (09022015). Collection method: clinical testing. Allele origin: germline.
Comment: This sequence change replaces arginine, which is basic and polar, with glutamine, which is neutral and polar, at codon 446 of the RNF31 protein (p.Arg446Gln). This variant is present in population databases (rs201223822, gnomAD 0.008%). This variant has not been reported in the literature in individuals affected with RNF31-related conditions. ClinVar contains an entry for this variant (Variation ID: 1966852). Algorithms developed to predict the effect of missense changes on protein structure and function output the following: SIFT: "Not Available"; PolyPhen-2: "Benign"; Align-GVGD: "Not Available". The glutamine amino acid residue is found in multiple mammalian species, which suggests that this missense change does not adversely affect protein function. In summary, the available evidence is currently insufficient to determine the role of this variant in disease. Therefore, it has been classified as a Variant of Uncertain Significance.

NM_017999.5(RNF31):c.1337G>A (p.Arg446Gln)

Gene: RNF31 (ring finger protein 31; plus strand). Cytogenetic location: 14q12.
Variant type: single nucleotide variant.
Coding change: c.1337G>A on transcript NM_017999.5 (MANE Select); coding-DNA position 1337, G replaced by A.
Protein change: p.Arg446Gln; replaces arginine 446 with glutamine.
Molecular consequence: missense variant.
Genome position (GRCh38, 1-based): chr14:24,150,737, G>A. VCF-style: chr14-24150737-G-A. GRCh37 (hg19) VCF-style: chr14-24619946-G-A.
Other names: c.884G>A, p.Arg295Gln (NM_001310332.2); short protein forms R446Q, R295Q.
Identifiers: ClinVar variation 1966852 (VCV001966852.5), dbSNP rs201223822, ClinGen allele CA7125745.
Genomic context (GRCh38, chr14:24,150,737, plus strand): 5'-GCTGGGTGTGTGTTATGTGCAACCGGACTAGTAGCCCCATTCCAGCACAACATGCCCCCC[G>A]GCCCTATGCCAGCTCTTTGGAAAAGGGACCCCCCAAGCCTGGGCCCCCACGACGCCTTAG-3'
Protein context (NP_060469.4, residues 436-456): SSPIPAQHAP[Arg446Gln]PYASSLEKGP